The following is an entry in ClinVar:

ClinVar aggregate classification (germline): Likely benign. Review status: criteria provided, multiple submitters, no conflicts (2 of 4 stars). 3 submissions from 3 submitters: Likely benign (3). Last evaluated 2025-12-30.

Conditions:
Junctional epidermolysis bullosa with pyloric atresia. Also called: Epidermolysis bullosa, junctional, with pyloric atresia and aplasia cutis congenita; Epidermolysis bullosa junctionalis with pyloric atresia; APLASIA CUTIS CONGENITA WITH GASTROINTESTINAL ATRESIA; CARMI SYNDROME; EB-PA-ACC; EPIDERMOLYSIS BULLOSA, JUNCTIONAL 5B, WITH PYLORIC ATRESIA. Identifiers: Orphanet 79403, MedGen C5676875, MONDO:0009183, OMIM 226730.
Epidermolysis bullosa, junctional 5A, intermediate. Also called: EPIDERMOLYSIS BULLOSA, JUNCTIONAL 5A, GENERALIZED INTERMEDIATE; EPIDERMOLYSIS BULLOSA, JUNCTIONAL 5A, NON-HERLITZ TYPE. Identifiers: MedGen C5676956, MONDO:0030768, OMIM 619816.

Allele frequency attached by ClinVar (database versions not stated): ESP Exome Variant Server 0.00038; 1000 Genomes Project 30x 0.00047; ExAC 0.00019; gnomAD exomes 0.00015 and 0.00005; gnomAD 0.00068 and 0.00062; 1000 Genomes Project 0.00040; TOPMed 0.00065.
gnomAD v4.1: 176 of 1,612,788 alleles (0.011%); highest among the groups gnomAD compares: African/African-American, 0.2%; no homozygotes.

Submissions (3):

Labcorp Genetics (formerly Invitae), Labcorp
Classification: Likely benign. Last evaluated: 2025-12-30. Review status: criteria provided, single submitter. Criteria: Invitae Variant Classification Sherloc (09022015). Collection method: clinical testing. Allele origin: germline.

CeGaT Center for Human Genetics Tuebingen
Classification: Likely benign. Last evaluated: 2025-11-01. Review status: criteria provided, single submitter. Criteria: CeGaT Center For Human Genetics Tuebingen Variant Classification Criteria Version 2. Collection method: clinical testing. Allele origin: germline. Affected: yes. Observed: 1 variant allele.
Comment: ITGB4: BP4, BP7

Fulgent Genetics
Classification: Likely benign for Junctional epidermolysis bullosa with pyloric atresia; Epidermolysis bullosa, junctional 5A, intermediate. Last evaluated: 2021-08-02. Review status: criteria provided, single submitter. Criteria: ACMG Guidelines, 2015. Collection method: clinical testing. Allele origin: unknown.

NM_000213.5(ITGB4):c.5091C>T (p.Pro1697=)

Genes: GALK1 (galactokinase 1; minus strand), ITGB4 (integrin subunit beta 4; plus strand). Cytogenetic location: 17q25.1.
Variant type: single nucleotide variant.
Coding change: c.5091C>T on transcript NM_000213.5 (MANE Select); coding-DNA position 5091, C replaced by T.
Protein change: p.Pro1697=; no amino-acid change (proline 1697 retained).
Molecular consequence: synonymous variant. On other transcripts: intron variant (1).
Genome position (GRCh38, 1-based): chr17:75,756,980, C>T. VCF-style: chr17-75756980-C-T. GRCh37 (hg19) VCF-style: chr17-73753061-C-T.
Other names: c.5040C>T, p.Pro1680= (NM_001005619.2); c.4881C>T, p.Pro1627= (NM_001005731.3, NM_001321123.2); c.4731C>T, p.Pro1577= (NM_001438834.1); c.*22+1054G>A (NM_001381985.1).
Identifiers: ClinVar variation 711692 (VCV000711692.14), dbSNP rs150804109, ClinGen allele CA8770458.